The following is an entry in ClinVar:

NM_001330311.2(DVL1):c.1232T>C (p.Val411Ala)

Gene: DVL1 (dishevelled segment polarity protein 1; minus strand). Cytogenetic location: 1p36.33.
Variant type: single nucleotide variant.
Coding change: c.1232T>C on transcript NM_001330311.2 (MANE Select); coding-DNA position 1232, T replaced by C.
Protein change: p.Val411Ala; replaces valine 411 with alanine.
Molecular consequence: missense variant.
Genome position (GRCh38, 1-based): chr1:1,338,629, A>G on the plus strand (T>C on the coding strand, the complement: DVL1 is on the minus strand). VCF-style: chr1-1338629-A-G. GRCh37 (hg19) VCF-style: chr1-1274009-A-G.
Other names: c.1157T>C, p.Val386Ala (NM_004421.3); short protein forms V386A, V411A.
Identifiers: ClinVar variation 2692892 (VCV002692892.3), dbSNP rs1350013487, ClinGen allele CA337864336.
Genomic context (GRCh38, chr1:1,338,629, plus strand): 5'-ATCTCCAGTCCCGAGTCTGGCAGCTGCATGACCCGGACGACGGCGCTCATGTCACTCTTC[A>G]CCGTCAGCGGCGCCTCTTCCAGCTCTGCAAAGCACAGACAGCCCCGCTTCAGCCCCAGCA-3'
Protein context (NP_001317240.1, residues 401-421): APQLEEAPLT[Val411Ala]KSDMSAVVRV

ClinVar aggregate classification (germline): Uncertain significance (1 of 4 stars; one submission).

Submission:

Labcorp Genetics (formerly Invitae), Labcorp
Classification: Uncertain significance. Last evaluated: 2023-11-03. Review status: criteria provided, single submitter. Criteria: Invitae Variant Classification Sherloc (09022015). Collection method: clinical testing. Allele origin: germline.
Comment: This sequence change replaces valine, which is neutral and non-polar, with alanine, which is neutral and non-polar, at codon 386 of the DVL1 protein (p.Val386Ala). This variant is not present in population databases (gnomAD no frequency). This variant has not been reported in the literature in individuals affected with DVL1-related conditions. Advanced modeling of protein sequence and biophysical properties (such as structural, functional, and spatial information, amino acid conservation, physicochemical variation, residue mobility, and thermodynamic stability) performed at Invitae indicates that this missense variant is not expected to disrupt DVL1 protein function with a negative predictive value of 80%. In summary, the available evidence is currently insufficient to determine the role of this variant in disease. Therefore, it has been classified as a Variant of Uncertain Significance.